The following is an entry in ClinVar:

NM_000059.4(BRCA2):c.751A>G (p.Thr251Ala)

Gene: BRCA2 (BRCA2 DNA repair associated; plus strand). Cytogenetic location: 13q13.1.
Variant type: single nucleotide variant.
Coding change: c.751A>G on transcript NM_000059.4 (MANE Select); coding-DNA position 751, A replaced by G.
Protein change: p.Thr251Ala; replaces threonine 251 with alanine.
Molecular consequence: missense variant. On other transcripts: non-coding transcript variant (1).
Genome position (GRCh38, 1-based): chr13:32,330,988, A>G. VCF-style: chr13-32330988-A-G. GRCh37 (hg19) VCF-style: chr13-32905125-A-G.
Other names: c.751A>G, p.Thr251Ala (NM_001406719.1, NM_001406720.1, NM_001406721.1); c.382A>G, p.Thr128Ala (NM_001406722.1); short protein forms T251A, T128A.
Identifiers: ClinVar variation 2565955 (VCV002565955.3), dbSNP rs2137461853, ClinGen allele CA387760096.

ClinVar aggregate classification (germline): Uncertain significance (1 of 4 stars; one submission).

Conditions:
Hereditary cancer-predisposing syndrome. Also called: Neoplastic Syndromes, Hereditary; Hereditary Cancer Syndrome; Hereditary neoplastic syndrome; Tumor predisposition. Identifiers: Orphanet 140162, MedGen C0027672, MeSH D009386, MONDO:0015356.

Submission:

Ambry Genetics
Classification: Uncertain significance for Hereditary cancer-predisposing syndrome. Last evaluated: 2025-06-02. Review status: criteria provided, single submitter. Criteria: Ambry Variant Classification Scheme 2023. Collection method: clinical testing. Allele origin: germline.
Comment: The p.T251A variant (also known as c.751A>G), located in coding exon 8 of the BRCA2 gene, results from an A to G substitution at nucleotide position 751. The threonine at codon 251 is replaced by alanine, an amino acid with similar properties. This amino acid position is not well conserved in available vertebrate species. In addition, this alteration is predicted to be tolerated by in silico analysis. Since supporting evidence is limited at this time, the clinical significance of this alteration remains unclear.